The following is an entry in ClinVar:

ClinVar aggregate classification (germline): Uncertain significance (1 of 4 stars; one submission).

Submission:

Labcorp Genetics (formerly Invitae), Labcorp
Classification: Uncertain significance. Last evaluated: 2023-09-23. Review status: criteria provided, single submitter. Criteria: Invitae Variant Classification Sherloc (09022015). Collection method: clinical testing. Allele origin: germline.
Comment: This sequence change replaces serine, which is neutral and polar, with tyrosine, which is neutral and polar, at codon 177 of the NEUROD1 protein (p.Ser177Tyr). In summary, the available evidence is currently insufficient to determine the role of this variant in disease. Therefore, it has been classified as a Variant of Uncertain Significance. Advanced modeling of protein sequence and biophysical properties (such as structural, functional, and spatial information, amino acid conservation, physicochemical variation, residue mobility, and thermodynamic stability) performed at Invitae indicates that this missense variant is expected to disrupt NEUROD1 protein function. This variant has not been reported in the literature in individuals affected with NEUROD1-related conditions. This variant is not present in population databases (gnomAD no frequency).

NM_002500.5(NEUROD1):c.530C>A (p.Ser177Tyr)

Gene: NEUROD1 (neuronal differentiation 1; minus strand). Cytogenetic location: 2q31.3.
Variant type: single nucleotide variant.
Coding change: c.530C>A on transcript NM_002500.5 (MANE Select); coding-DNA position 530, C replaced by A.
Protein change: p.Ser177Tyr; replaces serine 177 with tyrosine.
Molecular consequence: missense variant.
Genome position (GRCh38, 1-based): chr2:181,678,331, G>T on the plus strand (C>A on the coding strand, the complement: NEUROD1 is on the minus strand). VCF-style: chr2-181678331-G-T. GRCh37 (hg19) VCF-style: chr2-182543058-G-T.
Other names: short protein forms S177Y.
Identifiers: ClinVar variation 2762982 (VCV002762982.3), dbSNP rs2468610280, ClinGen allele CA349784638.